The following is an entry in ClinVar:

ClinVar aggregate classification (germline): Likely benign. Review status: criteria provided, single submitter (1 of 4 stars). 3 submissions from 3 submitters: Likely benign (1). 2 of the submissions do not count toward it. Last evaluated 2024-08-11.

Conditions:
SLC40A1-related disorder. Also called: SLC40A1-related condition.
Hemochromatosis type 4 (HFE4). Also called: Ferroportin disease; HEMOCHROMATOSIS DUE TO DEFECT IN FERROPORTIN; HEMOCHROMATOSIS, AUTOSOMAL DOMINANT. Identifiers: Orphanet 139491, Orphanet 647834, Orphanet 648562, MedGen C1853733, MONDO:0011631, OMIM 606069.

Allele frequency attached by ClinVar (database versions not stated): TOPMed 0.00002; gnomAD 0.00001; gnomAD exomes 0.00002; ExAC 0.00002.
gnomAD v4.1: 27 of 1,613,994 alleles (0.0017%); highest among the groups gnomAD compares: Middle Eastern, 0.016%; no homozygotes.

Submissions (3):

Labcorp Genetics (formerly Invitae), Labcorp
Classification: Likely benign for Hemochromatosis type 4. Last evaluated: 2024-08-11. Review status: criteria provided, single submitter. Criteria: Invitae Variant Classification Sherloc (09022015). Collection method: clinical testing. Allele origin: germline.

Laboratory of Molecular Genetics and Genomics, Rennes University Hospital
Classification: Uncertain significance for Hemochromatosis type 4. Last evaluated: 2020-07-01. Review status: no assertion criteria provided. Criteria: ACMG Guidelines, 2015. Collection method: clinical testing. Allele origin: germline. Affected: yes. Not counted in ClinVar's aggregate classification.

PreventionGenetics, part of Exact Sciences
Classification: Likely benign for SLC40A1-related condition. Last evaluated: 2019-03-04. Review status: no assertion criteria provided. Collection method: clinical testing. Allele origin: germline. Not counted in ClinVar's aggregate classification.
Comment: This variant is classified as likely benign based on ACMG/AMP sequence variant interpretation guidelines (Richards et al. 2015 PMID: 25741868, with internal and published modifications).

NM_014585.6(SLC40A1):c.306A>G (p.Ser102=)

Gene: SLC40A1 (solute carrier family 40 member 1; minus strand). Cytogenetic location: 2q32.2.
Variant type: single nucleotide variant.
Coding change: c.306A>G on transcript NM_014585.6 (MANE Select); coding-DNA position 306, A replaced by G.
Protein change: p.Ser102=; no amino-acid change (serine 102 retained).
Molecular consequence: synonymous variant.
Genome position (GRCh38, 1-based): chr2:189,572,927, T>C on the plus strand (A>G on the coding strand, the complement: SLC40A1 is on the minus strand). VCF-style: chr2-189572927-T-C. GRCh37 (hg19) VCF-style: chr2-190437653-T-C.
Identifiers: ClinVar variation 986316 (VCV000986316.6), dbSNP rs201485374, ClinGen allele CA2024253.